The following is an entry in ClinVar:

NM_000815.5(GABRD):c.984C>T (p.Tyr328=)

Gene: GABRD (gamma-aminobutyric acid type A receptor subunit delta; plus strand). Cytogenetic location: 1p36.33.
Variant type: single nucleotide variant.
Coding change: c.984C>T on transcript NM_000815.5 (MANE Select); coding-DNA position 984, C replaced by T.
Protein change: p.Tyr328=; no amino-acid change (tyrosine 328 retained).
Molecular consequence: synonymous variant.
Genome position (GRCh38, 1-based): chr1:2,029,687, C>T. VCF-style: chr1-2029687-C-T. GRCh37 (hg19) VCF-style: chr1-1961126-C-T.
Identifiers: ClinVar variation 719997 (VCV000719997.7), dbSNP rs759009305, ClinGen allele CA534847.
Genomic context (GRCh38, chr1:2,029,687, plus strand): 5'-GGCACTGGACGTCTACTTCTGGATCTGCTATGTCTTCGTGTTTGCCGCCCTGGTGGAGTA[C>T]GCCTTTGCTCATTTCAACGCCGACTACAGGAAGAAGCAGAAGGCCAAGGTCAAGGTCTCC-3'
Protein context (NP_000806.2, residues 318-338): YVFVFAALVE[Tyr328=]AFAHFNADYR

ClinVar aggregate classification (germline): Likely benign. Review status: criteria provided, single submitter (1 of 4 stars). 2 submissions from 2 submitters: Likely benign (1). 1 of the submissions does not count toward it. Last evaluated 2024-10-04.

Conditions:
GABRD-related disorder. Also called: GABRD-related condition.
Idiopathic generalized epilepsy. Also called: EIG; Generalised epilepsy. Identifiers: MedGen C0270850, MONDO:0005579, OMIM 600669.

Allele frequency attached by ClinVar (database versions not stated): gnomAD 0.00002 and 0.00001; TOPMed 0.00002; gnomAD exomes 0.00001; ExAC 0.00001.
gnomAD v4.1: 13 of 1,613,454 alleles (0.00081%); highest among the groups gnomAD compares: Middle Eastern, 0.016%; no homozygotes.

Submissions (2):

Labcorp Genetics (formerly Invitae), Labcorp
Classification: Likely benign for Idiopathic generalized epilepsy. Last evaluated: 2024-10-04. Review status: criteria provided, single submitter. Criteria: Invitae Variant Classification Sherloc (09022015). Collection method: clinical testing. Allele origin: germline.

PreventionGenetics, part of Exact Sciences
Classification: Likely benign for GABRD-related condition. Last evaluated: 2019-07-16. Review status: no assertion criteria provided. Collection method: clinical testing. Allele origin: germline. Not counted in ClinVar's aggregate classification.
Comment: This variant is classified as likely benign based on ACMG/AMP sequence variant interpretation guidelines (Richards et al. 2015 PMID: 25741868, with internal and published modifications).